The following is an entry in ClinVar:

NM_000075.4(CDK4):c.806C>T (p.Ala269Val)

Genes: CDK4 (cyclin dependent kinase 4; minus strand), TSPAN31 (tetraspanin 31; plus strand). Cytogenetic location: 12q14.1.
Variant type: single nucleotide variant.
Coding change: c.806C>T on transcript NM_000075.4 (MANE Select); coding-DNA position 806, C replaced by T.
Protein change: p.Ala269Val; replaces alanine 269 with valine.
Molecular consequence: missense variant. On other transcripts: 3 prime UTR variant (3).
Genome position (GRCh38, 1-based): chr12:57,749,195, G>A on the plus strand (C>T on the coding strand, the complement: CDK4 is on the minus strand). VCF-style: chr12-57749195-G-A. GRCh37 (hg19) VCF-style: chr12-58142978-G-A.
Other names: c.*1905G>A (NM_001330168.2, NM_001330169.2, NM_005981.5); short protein forms A269V.
Identifiers: ClinVar variation 656768 (VCV000656768.11), dbSNP rs779161525, ClinGen allele CA6657681.

ClinVar aggregate classification (germline): Conflicting classifications of pathogenicity. Review status: criteria provided, conflicting classifications (1 of 4 stars). 3 submissions from 3 submitters: Uncertain significance (2); Likely benign (1). Last evaluated 2026-01-06.

Conditions:
Hereditary cancer-predisposing syndrome. Also called: Hereditary neoplastic syndrome; Tumor predisposition; Neoplastic Syndromes, Hereditary; Hereditary Cancer Syndrome. Identifiers: Orphanet 140162, MedGen C0027672, MeSH D009386, MONDO:0015356.
Familial melanoma. Also called: Hereditary melanoma; Hereditary cutaneous melanoma. Identifiers: Orphanet 618, MedGen C1512419, MONDO:0018961.

Allele frequency attached by ClinVar (database versions not stated): gnomAD exomes below 0.00001 and 0.00002; TOPMed below 0.00001; ExAC 0.00002.
gnomAD v4.1: 3 of 1,614,016 alleles (0.00019%); highest among the groups gnomAD compares: East Asian, 0.0045%; no homozygotes.

Submissions (3):

Labcorp Genetics (formerly Invitae), Labcorp
Classification: Uncertain significance for Familial melanoma. Last evaluated: 2026-01-06. Review status: criteria provided, single submitter. Criteria: Invitae Variant Classification Sherloc (09022015). Collection method: clinical testing. Allele origin: germline.
Comment: This sequence change replaces alanine, which is neutral and non-polar, with valine, which is neutral and non-polar, at codon 269 of the CDK4 protein (p.Ala269Val). This variant is present in population databases (rs779161525, gnomAD 0.03%). This variant has not been reported in the literature in individuals affected with CDK4-related conditions. ClinVar contains an entry for this variant (Variation ID: 656768). Invitae Evidence Modeling of protein sequence and biophysical properties (such as structural, functional, and spatial information, amino acid conservation, physicochemical variation, residue mobility, and thermodynamic stability) indicates that this missense variant is not expected to disrupt CDK4 protein function with a negative predictive value of 95%. In summary, the available evidence is currently insufficient to determine the role of this variant in disease. Therefore, it has been classified as a Variant of Uncertain Significance.

GeneDx
Classification: Uncertain significance. Last evaluated: 2023-03-07. Review status: criteria provided, single submitter. Criteria: GeneDx Variant Classification Process June 2021. Collection method: clinical testing. Allele origin: germline. Affected: yes.
Comment: In silico analysis supports that this missense variant does not alter protein structure/function; Has not been previously published as pathogenic or benign to our knowledge

Ambry Genetics
Classification: Likely benign for Hereditary cancer-predisposing syndrome. Last evaluated: 2022-10-18. Review status: criteria provided, single submitter. Criteria: Ambry Variant Classification Scheme 2023. Collection method: clinical testing. Allele origin: germline.